The following is an entry in ClinVar:

ClinVar aggregate classification (germline): Uncertain significance. Review status: criteria provided, multiple submitters, no conflicts (2 of 4 stars). 2 submissions from 2 submitters: Uncertain significance (2). Last evaluated 2022-09-02.

Conditions:
Hereditary spastic paraplegia 4. Also called: Familial spastic paraplegia autosomal dominant 2; Spastic paraplegia 4, autosomal dominant; Spastic Paraplegia 4. Identifiers: Orphanet 100985, MedGen C1866855, MONDO:0008438, OMIM 182601.

Submissions (2):

Mayo Clinic Laboratories, Mayo Clinic
Classification: Uncertain significance. Last evaluated: 2022-09-02. Review status: criteria provided, single submitter. Criteria: ACMG Guidelines, 2015. Collection method: clinical testing. Allele origin: germline. Observed: 1 variant allele.
Comment: BP4, PM2

Labcorp Genetics (formerly Invitae), Labcorp
Classification: Uncertain significance for Hereditary spastic paraplegia 4. Last evaluated: 2022-02-19. Review status: criteria provided, single submitter. Criteria: Invitae Variant Classification Sherloc (09022015). Collection method: clinical testing. Allele origin: germline.
Comment: This variant has not been reported in the literature in individuals affected with SPAST-related conditions. This variant is not present in population databases (gnomAD no frequency). This sequence change replaces glycine, which is neutral and non-polar, with cysteine, which is neutral and slightly polar, at codon 291 of the SPAST protein (p.Gly291Cys). Algorithms developed to predict the effect of missense changes on protein structure and function are either unavailable or do not agree on the potential impact of this missense change (SIFT: "Tolerated"; PolyPhen-2: "Possibly Damaging"; Align-GVGD: "Class C15"). In summary, the available evidence is currently insufficient to determine the role of this variant in disease. Therefore, it has been classified as a Variant of Uncertain Significance.

NM_014946.4(SPAST):c.871G>T (p.Gly291Cys)

Gene: SPAST (spastin; plus strand). Cytogenetic location: 2p22.3.
Variant type: single nucleotide variant.
Coding change: c.871G>T on transcript NM_014946.4 (MANE Select); coding-DNA position 871, G replaced by T.
Protein change: p.Gly291Cys; replaces glycine 291 with cysteine.
Molecular consequence: missense variant.
Genome position (GRCh38, 1-based): chr2:32,115,702, G>T. VCF-style: chr2-32115702-G-T. GRCh37 (hg19) VCF-style: chr2-32340771-G-T.
Other names: p.Gly291Cys; c.868G>T, p.Gly290Cys (NM_001363823.2); c.772G>T, p.Gly258Cys (NM_001363875.2); c.775G>T, p.Gly259Cys (NM_001377959.1, NM_199436.2); short protein forms G259C, G291C, G258C, G290C.
Identifiers: ClinVar variation 1946212 (VCV001946212.6), dbSNP rs898101795, ClinGen allele CA44735859.